The following is an entry in ClinVar:

ClinVar aggregate classification (germline): Uncertain significance (1 of 4 stars; one submission).

Conditions:
Early-infantile DEE. Also called: Early infantile epileptic encephalopathy; Ohtahara syndrome; Early infantile epileptic encephalopathy with suppression bursts. Identifiers: Orphanet 1934, MedGen C0393706, MONDO:0800491.

Submission:

Labcorp Genetics (formerly Invitae), Labcorp
Classification: Uncertain significance for Early-infantile DEE. Last evaluated: 2022-07-19. Review status: criteria provided, single submitter. Criteria: Invitae Variant Classification Sherloc (09022015). Collection method: clinical testing. Allele origin: germline.
Comment: In summary, the available evidence is currently insufficient to determine the role of this variant in disease. Therefore, it has been classified as a Variant of Uncertain Significance. Experimental studies and prediction algorithms are not available or were not evaluated, and the functional significance of this variant is currently unknown. ClinVar contains an entry for this variant (Variation ID: 1507310). This variant has not been reported in the literature in individuals affected with SPTAN1-related conditions. This variant is not present in population databases (gnomAD no frequency). This variant, c.2087_2089del, results in the deletion of 1 amino acid(s) of the SPTAN1 protein (p.Glu696del), but otherwise preserves the integrity of the reading frame.

NM_001130438.3(SPTAN1):c.2087_2089del (p.Glu696del)

Gene: SPTAN1 (spectrin alpha, non-erythrocytic 1; plus strand). Cytogenetic location: 9q34.11.
Variant type: Deletion.
Coding change: c.2087_2089del on transcript NM_001130438.3 (MANE Select); coding-DNA positions 2087 to 2089, 3 bases deleted (AAG; older notation c.2087_2089delAAG).
Protein change: p.Glu696del; deletes glutamic acid 696.
Molecular consequence: inframe deletion.
Genome position (GRCh38, 1-based): chr9:128,583,863-128,583,865, AAG deleted; deleting any 3 consecutive bases within chr9:128,583,862-128,583,865 gives the same sequence; the c. name uses the placement nearest the transcript's 3' end. VCF-style (leftmost placement, unchanged base first): chr9-128583861-TGAA-T. GRCh37 (hg19) VCF-style: chr9-131346140-TGAA-T.
Other names: c.2087_2089del, p.Glu696del (NM_001195532.2, NM_001363759.2, NM_001363765.2 and 5 more transcripts); c.2123_2125del, p.Glu708del (NM_001375312.2, NM_001375318.1); short protein forms E708del, E696del.
Identifiers: ClinVar variation 1507310 (VCV001507310.9), dbSNP rs2131151927, ClinGen allele CA2573143914.